The following is an entry in ClinVar:

ClinVar aggregate classification (germline): Uncertain significance (1 of 4 stars; one submission).

Submission:

GeneDx
Classification: Uncertain significance. Last evaluated: 2025-04-14. Review status: criteria provided, single submitter. Criteria: GeneDx Variant Classification Process June 2021. Collection method: clinical testing. Allele origin: germline. Affected: yes.
Comment: Not observed at significant frequency in large population cohorts (gnomAD); In silico analysis indicates that this missense variant does not alter protein structure/function; Has not been previously published as pathogenic or benign to our knowledge

NM_181332.3(NLGN4X):c.2114A>G (p.His705Arg)

Gene: NLGN4X (neuroligin 4 X-linked; minus strand). Cytogenetic location: Xp22.32.
Variant type: single nucleotide variant.
Coding change: c.2114A>G on transcript NM_181332.3 (MANE Select); coding-DNA position 2114, A replaced by G.
Protein change: p.His705Arg; replaces histidine 705 with arginine.
Molecular consequence: missense variant.
Genome position (GRCh38, 1-based): chrX:5,893,154, T>C on the plus strand (A>G on the coding strand, the complement: NLGN4X is on the minus strand). VCF-style: chrX-5893154-T-C. GRCh37 (hg19) VCF-style: chrX-5811195-T-C.
Other names: c.2114A>G, p.His705Arg (NM_001282145.2, NM_001282146.2, NM_001441322.1 and 4 more transcripts); short protein forms H705R.
Identifiers: ClinVar variation 4282053 (VCV004282053.1).